The following is an entry in ClinVar:

NM_003114.5(SPAG1):c.432A>C (p.Lys144Asn)

Gene: SPAG1 (sperm associated antigen 1; plus strand). Cytogenetic location: 8q22.2.
Variant type: single nucleotide variant.
Coding change: c.432A>C on transcript NM_003114.5 (MANE Select); coding-DNA position 432, A replaced by C.
Protein change: p.Lys144Asn; replaces lysine 144 with asparagine.
Molecular consequence: missense variant.
Genome position (GRCh38, 1-based): chr8:100,183,380, A>C. VCF-style: chr8-100183380-A-C. GRCh37 (hg19) VCF-style: chr8-101195608-A-C.
Other names: c.432A>C, p.Lys144Asn (NM_001374321.1, NM_172218.3); short protein forms K144N.
Identifiers: ClinVar variation 5030064 (VCV005030064.1).

ClinVar aggregate classification (germline): Uncertain significance (1 of 4 stars; one submission).

Conditions:
Primary ciliary dyskinesia. Also called: Ciliary dyskinesia. Identifiers: Orphanet 244, MedGen C0008780, MONDO:0016575, HP:0012265.

gnomAD v4.1: 2 of 1,354,044 alleles (0.00015%); highest among the groups gnomAD compares: African/African-American, 0.0015%; no homozygotes.

Submission:

Ambry Genetics
Classification: Uncertain significance for Primary ciliary dyskinesia. Last evaluated: 2026-08-24. Review status: criteria provided, single submitter. Criteria: Ambry Variant Classification Scheme 2023. Collection method: clinical testing. Allele origin: germline.
Comment: The p.K144N variant (also known as c.432A>C), located in coding exon 4 of the SPAG1 gene, results from an A to C substitution at nucleotide position 432. The lysine at codon 144 is replaced by asparagine, an amino acid with similar properties. This amino acid position is conserved. In addition, this alteration is predicted to be tolerated by in silico analysis. Based on the available evidence, the clinical significance of this variant remains unclear.